The following is an entry in ClinVar:

NM_000070.3(CAPN3):c.791G>A (p.Cys264Tyr)

Gene: CAPN3 (calpain 3; plus strand). Cytogenetic location: 15q15.1.
Variant type: single nucleotide variant.
Coding change: c.791G>A on transcript NM_000070.3 (MANE Select); coding-DNA position 791, G replaced by A.
Protein change: p.Cys264Tyr; replaces cysteine 264 with tyrosine.
Molecular consequence: missense variant.
Genome position (GRCh38, 1-based): chr15:42,389,086, G>A. VCF-style: chr15-42389086-G-A. GRCh37 (hg19) VCF-style: chr15-42681284-G-A.
Other names: c.791G>A, p.Cys264Tyr (NM_024344.2, NM_173087.2); short protein forms C264Y.
Identifiers: ClinVar variation 856576 (VCV000856576.11), dbSNP rs2053485296, ClinGen allele CA391998391.

ClinVar aggregate classification (germline): Conflicting classifications of pathogenicity. Review status: criteria provided, conflicting classifications (1 of 4 stars). 4 submissions from 4 submitters: Likely pathogenic (1); Uncertain significance (2). 1 of the submissions does not count toward it. Last evaluated 2025-02-26.

Conditions:
Autosomal recessive limb-girdle muscular dystrophy type 2A (LGMDR1). Also called: LEYDEN-MOEBIUS MUSCULAR DYSTROPHY; MUSCULAR DYSTROPHY, PELVOFEMORAL; Muscular dystrophy, limb-girdle, type 2A, Amish; Limb-girdle muscular dystrophy, type 2A; Calpainopathy. Identifiers: Orphanet 267, MedGen C1869123, MONDO:0009675, OMIM 253600. Disease mechanism: loss of function.

Submissions (4):

Women's Health and Genetics/Laboratory Corporation of America, LabCorp
Classification: Uncertain significance. Last evaluated: 2025-02-26. Review status: criteria provided, single submitter. Criteria: LabCorp Variant Classification Summary - May 2015. Collection method: clinical testing. Allele origin: germline.
Comment: Variant summary: CAPN3 c.791G>A (p.Cys264Tyr) results in a non-conservative amino acid change located in the Peptidase C2, calpain, catalytic domain (IPR001300) of the encoded protein sequence. Five of five in-silico tools predict a damaging effect of the variant on protein function. The variant was absent in 251186 control chromosomes. The available data on variant occurrences in the general population are insufficient to allow any conclusion about variant significance. c.791G>A has been reported in the literature in the heterozygous state in an individual affected with Autosomal Recessive Limb-Girdle Muscular Dystrophy, without strong evidence for causality (Krahn_2006). This report does not provide unequivocal conclusions about association of the variant with Limb-Girdle Muscular Dystrophy. To our knowledge, no experimental evidence demonstrating an impact on protein function has been reported. The following publication has been ascertained in the context of this evaluation (PMID: 16650086). ClinVar contains an entry for this variant (Variation ID: 856576). Based on the evidence outlined above, the variant was classified as uncertain significance.

Department of Human Genetics, Hannover Medical School
Classification: Likely pathogenic for Autosomal recessive limb-girdle muscular dystrophy type 2A. Last evaluated: 2024-09-20. Review status: criteria provided, single submitter. Criteria: ACMG Guidelines, 2015. Collection method: clinical testing. Allele origin: germline. Affected: yes.

Labcorp Genetics (formerly Invitae), Labcorp
Classification: Uncertain significance for Autosomal recessive limb-girdle muscular dystrophy type 2A. Last evaluated: 2021-09-01. Review status: criteria provided, single submitter. Criteria: Invitae Variant Classification Sherloc (09022015). Collection method: clinical testing. Allele origin: germline.
Comment: This sequence change replaces cysteine with tyrosine at codon 264 of the CAPN3 protein (p.Cys264Tyr). The cysteine residue is highly conserved and there is a large physicochemical difference between cysteine and tyrosine. This variant is not present in population databases (ExAC no frequency). This variant has not been reported in the literature in individuals affected with CAPN3-related conditions. Algorithms developed to predict the effect of missense changes on protein structure and function are either unavailable or do not agree on the potential impact of this missense change (SIFT: "Deleterious"; PolyPhen-2: "Probably Damaging"; Align-GVGD: "Class C0"). In summary, the available evidence is currently insufficient to determine the role of this variant in disease. Therefore, it has been classified as a Variant of Uncertain Significance.

Natera, Inc.
Classification: Uncertain significance for Limb-girdle muscular dystrophy type 2A. Last evaluated: 2021-04-01. Review status: no assertion criteria provided. Collection method: clinical testing. Allele origin: germline. Not counted in ClinVar's aggregate classification.

Literature cited by the submitters: PubMed 16650086 (cited by Women's Health and Genetics/Laboratory Corporation of America, LabCorp).